The following is an entry in ClinVar:

ClinVar aggregate classification (germline): Uncertain significance (1 of 4 stars; one submission).

Conditions:
Familial thoracic aortic aneurysm and aortic dissection (TAAD). Also called: Thoracic aortic aneurysms and dissections. Identifiers: Orphanet 91387, MedGen C4707243, MONDO:0019625.

Allele frequency attached by ClinVar (database versions not stated): gnomAD 0.00001.
gnomAD v4.1: 1 of 1,611,814 alleles (0.000062%); highest among the groups gnomAD compares: African/African-American, 0.0013%; no homozygotes.

Submission:

Ambry Genetics
Classification: Uncertain significance for Familial thoracic aortic aneurysm and aortic dissection. Last evaluated: 2023-06-09. Review status: criteria provided, single submitter. Criteria: Ambry Variant Classification Scheme 2023. Collection method: clinical testing. Allele origin: germline.
Comment: The p.P547L variant (also known as c.1640C>T), located in coding exon 10 of the NOTCH1 gene, results from a C to T substitution at nucleotide position 1640. The proline at codon 547 is replaced by leucine, an amino acid with similar properties. This amino acid position is conserved. In addition, the in silico prediction for this alteration is inconclusive. Since supporting evidence is limited at this time, the clinical significance of this alteration remains unclear.

NM_017617.5(NOTCH1):c.1640C>T (p.Pro547Leu)

Gene: NOTCH1 (notch receptor 1; minus strand). Cytogenetic location: 9q34.3.
Variant type: single nucleotide variant.
Coding change: c.1640C>T on transcript NM_017617.5 (MANE Select); coding-DNA position 1640, C replaced by T.
Protein change: p.Pro547Leu; replaces proline 547 with leucine.
Molecular consequence: missense variant.
Genome position (GRCh38, 1-based): chr9:136,516,010, G>A on the plus strand (C>T on the coding strand, the complement: NOTCH1 is on the minus strand). VCF-style: chr9-136516010-G-A. GRCh37 (hg19) VCF-style: chr9-139410462-G-A.
Other names: short protein forms P547L.
Identifiers: ClinVar variation 2566661 (VCV002566661.2), dbSNP rs1212053025, ClinGen allele CA375560743.
Genomic context (GRCh38, chr9:136,516,010, plus strand): 5'-TCCCTCCCCGCTGGTGGGCGCCAGCCCGCACCTTCCGTGCACACACAGGTGTAAGTGTTG[G>A]GTCCGTCCAGGCACTTGGCACCATTCTTGCAGGGGGTGCTGGCACACTCGTCCACATCGT-3'
Protein context (NP_060087.3, residues 537-557): CKNGAKCLDG[Pro547Leu]NTYTCVCTEG